The following is an entry in ClinVar:

NM_014727.3(KMT2B):c.6992T>C (p.Val2331Ala)

Gene: KMT2B (lysine methyltransferase 2B; plus strand). Cytogenetic location: 19q13.12.
Variant type: single nucleotide variant.
Coding change: c.6992T>C on transcript NM_014727.3 (MANE Select); coding-DNA position 6992, T replaced by C.
Protein change: p.Val2331Ala; replaces valine 2331 with alanine.
Molecular consequence: missense variant.
Genome position (GRCh38, 1-based): chr19:35,733,629, T>C. VCF-style: chr19-35733629-T-C. GRCh37 (hg19) VCF-style: chr19-36224530-T-C.
Other names: short protein forms V2331A.
Identifiers: ClinVar variation 3236568 (VCV003236568.1), dbSNP rs2513357270, ClinGen allele CA405431087.

ClinVar aggregate classification (germline): Uncertain significance (1 of 4 stars; one submission).

Conditions:
Intellectual developmental disorder, autosomal dominant 68 (MRD68). Also called: MENTAL RETARDATION, AUTOSOMAL DOMINANT 68. Identifiers: MedGen C5677008, MONDO:0030969, OMIM 619934.

Allele frequency attached by ClinVar (database versions not stated): gnomAD exomes below 0.00001.
gnomAD v4.1: 1 of 1,593,298 alleles (0.000063%); highest among the groups gnomAD compares: Non-Finnish European, 0.000085%; no homozygotes.

Submission:

Clinical Genomics Laboratory, Washington University in St. Louis
Classification: Uncertain significance for Intellectual developmental disorder, autosomal dominant 68. Last evaluated: 2024-04-26. Review status: criteria provided, single submitter. Criteria: ACMG Guidelines, 2015. Collection method: clinical testing. Allele origin: germline.
Comment: The KMT2B c.6992T>C (p.Val2331Ala) variant, to our knowledge, has not been reported in the medical literature and is absent from the general population (gnomAD v.2.1.1), indicating it is not a common variant. This variant occurs in a disordered domain without known function and computational predictors are uncertain as to the impact of this variant on KMT2B function. Due to limited information, and based on ACMG/AMP guidelines for variant interpretation (Richards S et al., PMID: 25741868), the clinical significance of this variant is uncertain at this time.